The following is an entry in ClinVar:

NM_016169.4(SUFU):c.749A>G (p.His250Arg)

Gene: SUFU (SUFU negative regulator of hedgehog signaling; plus strand). Cytogenetic location: 10q24.32.
Variant type: single nucleotide variant.
Coding change: c.749A>G on transcript NM_016169.4 (MANE Select); coding-DNA position 749, A replaced by G.
Protein change: p.His250Arg; replaces histidine 250 with arginine.
Molecular consequence: missense variant.
Genome position (GRCh38, 1-based): chr10:102,594,058, A>G. VCF-style: chr10-102594058-A-G. GRCh37 (hg19) VCF-style: chr10-104353815-A-G.
Other names: c.749A>G (NM_016169.3); c.749A>G, p.His250Arg (NM_001178133.2); short protein forms H250R.
Identifiers: ClinVar variation 1477283 (VCV001477283.9), dbSNP rs750808785, ClinGen allele CA5667762.

ClinVar aggregate classification (germline): Uncertain significance. Review status: criteria provided, multiple submitters, no conflicts (2 of 4 stars). 2 submissions from 2 submitters: Uncertain significance (2). Last evaluated 2025-08-19.

Conditions:
Hereditary cancer-predisposing syndrome. Also called: Hereditary neoplastic syndrome; Tumor predisposition; Neoplastic Syndromes, Hereditary; Hereditary Cancer Syndrome. Identifiers: Orphanet 140162, MedGen C0027672, MeSH D009386, MONDO:0015356.
Gorlin syndrome. Also called: Nevoid Basal Cell Carcinoma Syndrome; Basal cell nevus syndrome. Identifiers: Orphanet 377, MedGen C0004779, MONDO:0007187.
Medulloblastoma (MDB). Also called: MEDULLOBLASTOMA PREDISPOSITION SYNDROME; Medulloblastoma, somatic. Identifiers: Orphanet 616, MedGen C0025149, MeSH D008527, MONDO:0007959, OMIM 155255, HP:0002885.

Allele frequency attached by ClinVar (database versions not stated): gnomAD exomes below 0.00001; ExAC 0.00001.
gnomAD v4.1: 1 of 1,614,044 alleles (0.000062%); highest among the groups gnomAD compares: Non-Finnish European, 0.000085%; no homozygotes.

Submissions (2):

Ambry Genetics
Classification: Uncertain significance for Hereditary cancer-predisposing syndrome. Last evaluated: 2025-08-19. Review status: criteria provided, single submitter. Criteria: Ambry Variant Classification Scheme 2023. Collection method: clinical testing. Allele origin: germline.
Comment: The p.H250R variant (also known as c.749A>G), located in coding exon 6 of the SUFU gene, results from an A to G substitution at nucleotide position 749. The histidine at codon 250 is replaced by arginine, an amino acid with highly similar properties. This amino acid position is conserved. In addition, this alteration is predicted to be deleterious by in silico analysis. Since supporting evidence is limited at this time, the clinical significance of this alteration remains unclear.

Labcorp Genetics (formerly Invitae), Labcorp
Classification: Uncertain significance for Gorlin syndrome; Medulloblastoma. Last evaluated: 2025-07-30. Review status: criteria provided, single submitter. Criteria: Invitae Variant Classification Sherloc (09022015). Collection method: clinical testing. Allele origin: germline.
Comment: This sequence change replaces histidine, which is basic and polar, with arginine, which is basic and polar, at codon 250 of the SUFU protein (p.His250Arg). This variant is present in population databases (rs750808785, gnomAD 0.007%). This variant has not been reported in the literature in individuals affected with SUFU-related conditions. ClinVar contains an entry for this variant (Variation ID: 1477283). Invitae Evidence Modeling of protein sequence and biophysical properties (such as structural, functional, and spatial information, amino acid conservation, physicochemical variation, residue mobility, and thermodynamic stability) indicates that this missense variant is not expected to disrupt SUFU protein function with a negative predictive value of 80%. In summary, the available evidence is currently insufficient to determine the role of this variant in disease. Therefore, it has been classified as a Variant of Uncertain Significance.